The following is an entry in ClinVar:

NM_001080495.3(TNRC18):c.5442C>T (p.Ser1814=)

Gene: TNRC18 (trinucleotide repeat containing 18; minus strand). Cytogenetic location: 7p22.1.
Variant type: single nucleotide variant.
Coding change: c.5442C>T on transcript NM_001080495.3 (MANE Select); coding-DNA position 5442, C replaced by T.
Protein change: p.Ser1814=; no amino-acid change (serine 1814 retained).
Molecular consequence: synonymous variant.
Genome position (GRCh38, 1-based): chr7:5,351,847, G>A on the plus strand (C>T on the coding strand, the complement: TNRC18 is on the minus strand). VCF-style: chr7-5351847-G-A. GRCh37 (hg19) VCF-style: chr7-5391478-G-A.
Identifiers: ClinVar variation 2657277 (VCV002657277.24), dbSNP rs762832555, ClinGen allele CA4144398.

ClinVar aggregate classification (germline): Likely benign (1 of 4 stars; one submission).

Allele frequency attached by ClinVar (database versions not stated): gnomAD exomes 0.00002; ExAC 0.00003; gnomAD 0.00003.
gnomAD v4.1: 38 of 1,604,344 alleles (0.0024%); highest among the groups gnomAD compares: South Asian, 0.0044%; no homozygotes.

Submission:

CeGaT Center for Human Genetics Tuebingen
Classification: Likely benign. Last evaluated: 2023-04-01. Review status: criteria provided, single submitter. Criteria: CeGaT Center For Human Genetics Tuebingen Variant Classification Criteria Version 2. Collection method: clinical testing. Allele origin: germline. Affected: yes. Observed: 1 variant allele.
Comment: TNRC18: BP4, BP7